The following is an entry in ClinVar:

ClinVar aggregate classification (germline): Likely benign. Review status: criteria provided, multiple submitters, no conflicts (2 of 4 stars). 2 submissions from 2 submitters: Likely benign (2). Last evaluated 2025-08-11.

Conditions:
ALG1-congenital disorder of glycosylation. Also called: CDG Ik; CONGENITAL DISORDER OF GLYCOSYLATION, TYPE Ik; ALG1-CDG. Identifiers: Orphanet 79327, MedGen C2931005, MONDO:0012052, OMIM 608540.

Allele frequency attached by ClinVar (database versions not stated): TOPMed below 0.00001; gnomAD 0.00001.
gnomAD v4.1: 8 of 1,613,966 alleles (0.0005%); highest among the groups gnomAD compares: Non-Finnish European, 0.00059%; no homozygotes.

Submissions (2):

Labcorp Genetics (formerly Invitae), Labcorp
Classification: Likely benign for ALG1-congenital disorder of glycosylation. Last evaluated: 2025-08-11. Review status: criteria provided, single submitter. Criteria: Invitae Variant Classification Sherloc (09022015). Collection method: clinical testing. Allele origin: germline.

GeneDx
Classification: Likely benign. Last evaluated: 2018-04-09. Review status: criteria provided, single submitter. Criteria: GeneDx Variant Classification (06012015). Collection method: clinical testing. Allele origin: germline. Affected: yes.
Comment: This variant is considered likely benign or benign based on one or more of the following criteria: it is a conservative change, it occurs at a poorly conserved position in the protein, it is predicted to be benign by multiple in silico algorithms, and/or has population frequency not consistent with disease.

NM_019109.5(ALG1):c.391-13C>G

Gene: ALG1 (ALG1 chitobiosyldiphosphodolichol beta-mannosyltransferase; plus strand). Cytogenetic location: 16p13.3.
Variant type: single nucleotide variant.
Coding change: c.391-13C>G on transcript NM_019109.5 (MANE Select); 13 bases into the intron before coding-DNA position 391, C replaced by G.
Molecular consequence: intron variant.
Genome position (GRCh38, 1-based): chr16:5,075,375, C>G. VCF-style: chr16-5075375-C-G. GRCh37 (hg19) VCF-style: chr16-5125376-C-G.
Other names: c.58-13C>G (NM_001330504.2).
Identifiers: ClinVar variation 681426 (VCV000681426.8), dbSNP rs768190163, ClinGen allele CA620718161.